The following is an entry in ClinVar:

NM_144969.3(ZDHHC15):c.672T>G (p.Phe224Leu)

Gene: ZDHHC15 (zDHHC palmitoyltransferase 15; minus strand). Cytogenetic location: Xq13.3.
Variant type: single nucleotide variant.
Coding change: c.672T>G on transcript NM_144969.3 (MANE Select); coding-DNA position 672, T replaced by G.
Protein change: p.Phe224Leu; replaces phenylalanine 224 with leucine.
Molecular consequence: missense variant.
Genome position (GRCh38, 1-based): chrX:75,424,716, A>C on the plus strand (T>G on the coding strand, the complement: ZDHHC15 is on the minus strand). VCF-style: chrX-75424716-A-C. GRCh37 (hg19) VCF-style: chrX-74644551-A-C.
Other names: c.645T>G, p.Phe215Leu (NM_001146256.2); short protein forms F215L, F224L.
Identifiers: ClinVar variation 4857186 (VCV004857186.1).

ClinVar aggregate classification (germline): Likely pathogenic (1 of 4 stars; one submission).

Conditions:
ZDHHC15-related condition.

Submission:

Undiagnosed Diseases Network, NIH
Classification: Likely pathogenic for ZDHHC15-related condition. Last evaluated: 2026-06-09. Review status: criteria provided, single submitter. Criteria: ACMG Guidelines, 2015. Collection method: clinical testing, in vivo. Allele origin: de novo, not applicable. Affected: yes. Observed: 1 variant allele, 1 heterozygote. Functional consequence: gain of function variant. Study: Undiagnosed Diseases Network (NIH), UDN.
Comment: Functional studies in Drosophila support a damaging effect on protein function. Taken together, the de novo occurrence, absence from population databases, and supportive functional evidence are consistent with a likely pathogenic classification for this variant (ACMG criteria applied: PM2, PS2, PS3).